The following is an entry in ClinVar:

NM_000540.3(RYR1):c.3346G>C (p.Ala1116Pro)

Gene: RYR1 (ryanodine receptor 1; plus strand). Cytogenetic location: 19q13.2.
Variant type: single nucleotide variant.
Coding change: c.3346G>C on transcript NM_000540.3 (MANE Select); coding-DNA position 3346, G replaced by C.
Protein change: p.Ala1116Pro; replaces alanine 1116 with proline.
Molecular consequence: missense variant.
Genome position (GRCh38, 1-based): chr19:38,467,777, G>C. VCF-style: chr19-38467777-G-C. GRCh37 (hg19) VCF-style: chr19-38958417-G-C.
Other names: c.3346G>C (NM_000540.2); c.3346G>C, p.Ala1116Pro (NM_001042723.2); short protein forms A1116P.
Identifiers: ClinVar variation 1412031 (VCV001412031.8), dbSNP rs763044626, ClinGen allele CA405637418.

ClinVar aggregate classification (germline): Uncertain significance. Review status: criteria provided, multiple submitters, no conflicts (2 of 4 stars). 2 submissions from 2 submitters: Uncertain significance (2). Last evaluated 2021-12-03.

Conditions:
RYR1-related disorder. Also called: RYR1-related condition; RYR1-related disorders. Identifiers: MedGen CN239331.

Submissions (2):

Labcorp Genetics (formerly Invitae), Labcorp
Classification: Uncertain significance for RYR1-related disorder. Last evaluated: 2021-12-03. Review status: criteria provided, single submitter. Criteria: Invitae Variant Classification Sherloc (09022015). Collection method: clinical testing. Allele origin: germline.
Comment: In summary, the available evidence is currently insufficient to determine the role of this variant in disease. Therefore, it has been classified as a Variant of Uncertain Significance. Advanced modeling of protein sequence and biophysical properties (such as structural, functional, and spatial information, amino acid conservation, physicochemical variation, residue mobility, and thermodynamic stability) performed at Invitae indicates that this missense variant is not expected to disrupt RYR1 protein function. This variant has not been reported in the literature in individuals affected with RYR1-related conditions. This variant is not present in population databases (gnomAD no frequency). This sequence change replaces alanine, which is neutral and non-polar, with proline, which is neutral and non-polar, at codon 1116 of the RYR1 protein (p.Ala1116Pro).

Revvity Omics, Revvity
Classification: Uncertain significance. Last evaluated: 2019-01-14. Review status: criteria provided, single submitter. Criteria: ACMG Guidelines, 2015. Collection method: clinical testing. Allele origin: germline.